The following is an entry in ClinVar:

NM_001267550.2(TTN):c.105520C>T (p.Arg35174Cys)

Genes: TTN (titin; minus strand), TTN-AS1 (TTN antisense RNA 1; plus strand), LOC129935184 (ATAC-STARR-seq lymphoblastoid active region 16809; plus strand). Cytogenetic location: 2q31.2.
Variant type: single nucleotide variant.
Coding change: c.105520C>T on transcript NM_001267550.2 (MANE Select); coding-DNA position 105520, C replaced by T.
Protein change: p.Arg35174Cys; replaces arginine 35174 with cysteine.
Molecular consequence: missense variant.
Genome position (GRCh38, 1-based): chr2:178,531,095, G>A on the plus strand (C>T on the coding strand, the complement: TTN is on the minus strand). VCF-style: chr2-178531095-G-A. GRCh37 (hg19) VCF-style: chr2-179395822-G-A.
Other names: c.100597C>T, p.Arg33533Cys (NM_001256850.1); c.78325C>T, p.Arg26109Cys (NM_003319.4); c.97816C>T, p.Arg32606Cys (NM_133378.4); c.78700C>T, p.Arg26234Cys (NM_133432.3); c.78901C>T, p.Arg26301Cys (NM_133437.4); short protein forms R26109C, R26301C, R35174C, R26234C, R32606C, R33533C.
Identifiers: ClinVar variation 894306 (VCV000894306.16), dbSNP rs778207634, ClinGen allele CA1985240.

ClinVar aggregate classification (germline): Conflicting classifications of pathogenicity. Review status: criteria provided, conflicting classifications (1 of 4 stars). 9 submissions from 5 submitters: Uncertain significance (5); Benign (2); Likely benign (2). Last evaluated 2026-03-09.

Conditions:
Myopathy, myofibrillar, 9, with early respiratory failure (MFM9). Also called: Myopathy, distal, with early respiratory failure, autosomal dominant; Hereditary myopathy with early respiratory failure; EDSTROM MYOPATHY; MYOPATHY, PROXIMAL, WITH EARLY RESPIRATORY MUSCLE INVOLVEMENT. Identifiers: Orphanet 178464, Orphanet 34521, MedGen C1863599, MONDO:0011362, OMIM 603689.
TTN-related disorder. Also called: TTN-related condition; TTN-related disease; TTN-related disorders.
Autosomal recessive limb-girdle muscular dystrophy type 2J (LGMDR10). Also called: MUSCULAR DYSTROPHY, LIMB-GIRDLE, AUTOSOMAL RECESSIVE 10; Limb-girdle muscular dystrophy, type 2J. Identifiers: Orphanet 140922, MedGen C1837342, MONDO:0012127, OMIM 608807.
Dilated cardiomyopathy 1G (CMD1G). Identifiers: Orphanet 154, MedGen C1858763, MONDO:0011400, OMIM 604145.
Early-onset myopathy with fatal cardiomyopathy (CMYO5). Also called: CONGENITAL MYOPATHY 5 WITH CARDIOMYOPATHY; Salih Myopathy. Identifiers: Orphanet 289377, MedGen C2673677, MONDO:0012714, OMIM 611705. Disease mechanism: loss of function.
Tibial muscular dystrophy (TMD). Also called: UDD MYOPATHY; Udd Distal Myopathy – Tibial Muscular Dystrophy; Tibial muscular dystrophy, tardive. Identifiers: Orphanet 609, MedGen C1838244, MONDO:0010870, OMIM 600334.

Allele frequency attached by ClinVar (database versions not stated): gnomAD 0.00003 and 0.00005; TOPMed 0.00003; gnomAD exomes 0.00005; ExAC 0.00006.
gnomAD v4.1: 76 of 1,613,846 alleles (0.0047%); highest among the groups gnomAD compares: East Asian, 0.13%; no homozygotes.

Submissions (9):

PreventionGenetics, part of Exact Sciences
Classification: Uncertain significance for TTN-related condition. Last evaluated: 2026-03-09. Review status: criteria provided, single submitter. Criteria: ACMG Guidelines, 2015. Collection method: clinical testing. Allele origin: germline.
Comment: The TTN c.105520C>T variant is predicted to result in the amino acid substitution p.Arg35174Cys. This variant has been reported in a cohort study of individuals with dilated cardiomyopathy who underwent heart transplantation (described as c.100597C>T, p.Arg33533Cys in NM _001256850, table S3, Lian et al. 2023. PubMed ID: 37461109). This variant is reported in 0.050% of alleles in individuals of East Asian descent in gnomAD. Although we suspect that this variant may be benign, at this time, the clinical significance of this variant is uncertain due to the absence of conclusive functional and genetic evidence.

Labcorp Genetics (formerly Invitae), Labcorp
Classification: Uncertain significance for Dilated cardiomyopathy 1G; Autosomal recessive limb-girdle muscular dystrophy type 2J. Last evaluated: 2025-12-21. Review status: criteria provided, single submitter. Criteria: Invitae Variant Classification Sherloc (09022015). Collection method: clinical testing. Allele origin: germline.
Comment: This sequence change replaces arginine, which is basic and polar, with cysteine, which is neutral and slightly polar, at codon 35174 of the TTN protein (p.Arg35174Cys). This variant is present in population databases (rs778207634, gnomAD 0.05%). This missense change has been observed in individual(s) with dilated cardiomyopathy (PMID: 37461109). ClinVar contains an entry for this variant (Variation ID: 894306). Experimental studies and prediction algorithms are not available or were not evaluated, and the functional significance of this variant is currently unknown. This variant is located in the M band of TTN (PMID: 25589632). Non-truncating variants in this region may be relevant for neuromuscular disorders, but have not been definitively shown to cause cardiomyopathy (PMID: 23975875). In summary, the available evidence is currently insufficient to determine the role of this variant in disease. Therefore, it has been classified as a Variant of Uncertain Significance.

Blueprint Genetics
Classification: Likely benign. Last evaluated: 2024-10-03. Review status: criteria provided, single submitter. Criteria: ACMG Guidelines, 2015. Collection method: clinical testing. Allele origin: germline.

GeneDx
Classification: Likely benign. Last evaluated: 2019-06-25. Review status: criteria provided, single submitter. Criteria: GeneDx Variant Classification Process June 2021. Collection method: clinical testing. Allele origin: germline. Affected: yes.

Illumina Laboratory Services, Illumina
Classification: Uncertain significance for Autosomal recessive limb-girdle muscular dystrophy type 2J. Last evaluated: 2018-01-13. Review status: criteria provided, single submitter. Criteria: ICSL Variant Classification Criteria 13 December 2019. Collection method: clinical testing. Allele origin: germline.

Illumina Laboratory Services, Illumina
Classification: Uncertain significance for Dilated cardiomyopathy 1G. Last evaluated: 2018-01-13. Review status: criteria provided, single submitter. Criteria: ICSL Variant Classification Criteria 13 December 2019. Collection method: clinical testing. Allele origin: germline.

Illumina Laboratory Services, Illumina
Classification: Benign for Myopathy, myofibrillar, 9, with early respiratory failure. Last evaluated: 2018-01-13. Review status: criteria provided, single submitter. Criteria: ICSL Variant Classification Criteria 13 December 2019. Collection method: clinical testing. Allele origin: germline.
Comment: This variant was observed in the ICSL laboratory as part of a predisposition screen in an ostensibly healthy population. It had not been previously curated by ICSL or reported in the Human Gene Mutation Database (HGMD: prior to June 1st, 2018), and was therefore a candidate for classification through an automated scoring system. Utilizing variant allele frequency, disease prevalence and penetrance estimates, and inheritance mode, an automated score was calculated to assess if this variant is too frequent to cause the disease. Based on the score and internal cut-off values, a variant classified as benign is not then subjected to further curation. The score for this variant resulted in a classification of benign for this disease.

Illumina Laboratory Services, Illumina
Classification: Benign for Tibial muscular dystrophy. Last evaluated: 2018-01-13. Review status: criteria provided, single submitter. Criteria: ICSL Variant Classification Criteria 13 December 2019. Collection method: clinical testing. Allele origin: germline.
Comment: the same text as in the submission from Illumina Laboratory Services, Illumina above.

Illumina Laboratory Services, Illumina
Classification: Uncertain significance for Early-onset myopathy with fatal cardiomyopathy. Last evaluated: 2018-01-13. Review status: criteria provided, single submitter. Criteria: ICSL Variant Classification Criteria 13 December 2019. Collection method: clinical testing. Allele origin: germline.

Literature cited by the submitters: PubMed 37461109 (cited by Labcorp Genetics (formerly Invitae), Labcorp); PubMed 25589632 (cited by Labcorp Genetics (formerly Invitae), Labcorp); PubMed 23975875 (cited by Labcorp Genetics (formerly Invitae), Labcorp).